The following is an entry in ClinVar:

NM_022765.4(MICAL1):c.1070G>A (p.Gly357Glu)

Gene: MICAL1 (microtubule associated monooxygenase, calponin and LIM domain containing 1; minus strand). Cytogenetic location: 6q21.
Variant type: single nucleotide variant.
Coding change: c.1070G>A on transcript NM_022765.4 (MANE Select); coding-DNA position 1070, G replaced by A.
Protein change: p.Gly357Glu; replaces glycine 357 with glutamic acid.
Molecular consequence: missense variant. On other transcripts: intron variant (1).
Genome position (GRCh38, 1-based): chr6:109,450,421, C>T on the plus strand (G>A on the coding strand, the complement: MICAL1 is on the minus strand). VCF-style: chr6-109450421-C-T. GRCh37 (hg19) VCF-style: chr6-109771624-C-T.
Other names: c.1127G>A, p.Gly376Glu (NM_001286613.2); c.934-336G>A (NM_001159291.2); short protein forms G376E, G357E.
Identifiers: ClinVar variation 2093103 (VCV002093103.4), dbSNP rs2482800746, ClinGen allele CA365231247.

ClinVar aggregate classification (germline): Uncertain significance (1 of 4 stars; one submission).

Submission:

Labcorp Genetics (formerly Invitae), Labcorp
Classification: Uncertain significance. Last evaluated: 2022-07-12. Review status: criteria provided, single submitter. Criteria: Invitae Variant Classification Sherloc (09022015). Collection method: clinical testing. Allele origin: germline.
Comment: This variant is not present in population databases (gnomAD no frequency). This sequence change replaces glycine, which is neutral and non-polar, with glutamic acid, which is acidic and polar, at codon 376 of the MICAL1 protein (p.Gly376Glu). This variant has not been reported in the literature in individuals affected with MICAL1-related conditions. Algorithms developed to predict the effect of missense changes on protein structure and function are either unavailable or do not agree on the potential impact of this missense change (SIFT: "Deleterious"; PolyPhen-2: "Possibly Damaging"; Align-GVGD: "Class C0"). In summary, the available evidence is currently insufficient to determine the role of this variant in disease. Therefore, it has been classified as a Variant of Uncertain Significance.